The following is an entry in ClinVar:

NM_005475.3(SH2B3):c.956T>A (p.Ile319Asn)

Gene: SH2B3 (SH2B adaptor protein 3; plus strand). Cytogenetic location: 12q24.12.
Variant type: single nucleotide variant.
Coding change: c.956T>A on transcript NM_005475.3 (MANE Select); coding-DNA position 956, T replaced by A.
Protein change: p.Ile319Asn; replaces isoleucine 319 with asparagine.
Molecular consequence: missense variant.
Genome position (GRCh38, 1-based): chr12:111,447,154, T>A. VCF-style: chr12-111447154-T-A. GRCh37 (hg19) VCF-style: chr12-111884958-T-A.
Other names: c.350T>A, p.Ile117Asn (NM_001291424.1); short protein forms I319N, I117N.
Identifiers: ClinVar variation 4630703 (VCV004630703.1).

ClinVar aggregate classification (germline): Uncertain significance (1 of 4 stars; one submission).

Conditions:
Inborn genetic diseases. Identifiers: MedGen C0950123, MeSH D030342.

Submission:

Ambry Genetics
Classification: Uncertain significance for Inborn genetic diseases. Last evaluated: 2025-10-08. Review status: criteria provided, single submitter. Criteria: Ambry Variant Classification Scheme 2023. Collection method: clinical testing. Allele origin: germline.
Comment: The p.I319N variant (also known as c.956T>A), located in coding exon 4 of the SH2B3 gene, results from a T to A substitution at nucleotide position 956. The isoleucine at codon 319 is replaced by asparagine, an amino acid with dissimilar properties. This amino acid position is conserved. In addition, this alteration is predicted to be tolerated by in silico analysis. Based on the available evidence, the clinical significance of this variant remains unclear.